The following is an entry in ClinVar:

ClinVar aggregate classification (germline): Uncertain significance (0 of 4 stars; one submission).

Conditions:
RORA-related disorder. Also called: RORA-related condition.

gnomAD v4.1: 1 of 1,592,058 alleles (0.000063%); highest among the groups gnomAD compares: African/African-American, 0.0013%; no homozygotes.

Submission:

PreventionGenetics, part of Exact Sciences
Classification: Uncertain significance for RORA-related condition. Last evaluated: 2024-07-17. Review status: no assertion criteria provided. Collection method: clinical testing. Allele origin: germline.
Comment: The RORA c.138-8C>G variant is predicted to interfere with splicing. To our knowledge, this variant has not been reported in the literature or in a large population database, indicating this variant is rare. At this time, the clinical significance of this variant is uncertain due to the absence of conclusive functional and genetic evidence.

NM_134261.3(RORA):c.197-26463C>G

Genes: RORA (RAR related orphan receptor A; minus strand), RORA-AS1 (RORA antisense RNA 1; plus strand). Cytogenetic location: 15q22.2.
Variant type: single nucleotide variant.
Coding change: c.197-26463C>G on transcript NM_134261.3 (MANE Select); 26463 bases into the intron before coding-DNA position 197, C replaced by G.
Molecular consequence: intron variant.
Genome position (GRCh38, 1-based): chr15:60,558,314, G>C on the plus strand (C>G on the coding strand, the complement: RORA is on the minus strand). VCF-style: chr15-60558314-G-C. GRCh37 (hg19) VCF-style: chr15-60850513-G-C.
Other names: c.138-8C>G (NM_134260.3); c.272-26463C>G (NM_002943.4); c.32-26463C>G (NM_134262.3).
Identifiers: ClinVar variation 3346414 (VCV003346414.1).